The following is an entry in ClinVar:

NM_001127222.2(CACNA1A):c.579G>A (p.Thr193=)

Gene: CACNA1A (calcium voltage-gated channel subunit alpha1 A; minus strand). Cytogenetic location: 19p13.13.
Variant type: single nucleotide variant.
Coding change: c.579G>A on transcript NM_001127222.2 (MANE Select); coding-DNA position 579, G replaced by A.
Protein change: p.Thr193=; no amino-acid change (threonine 193 retained).
Molecular consequence: synonymous variant.
Genome position (GRCh38, 1-based): chr19:13,371,740, C>T on the plus strand (G>A on the coding strand, the complement: CACNA1A is on the minus strand). VCF-style: chr19-13371740-C-T. GRCh37 (hg19) VCF-style: chr19-13482554-C-T.
Other names: p.Thr193=; c.579G>A, p.Thr193= (NM_000068.4, NM_001127221.2, NM_001174080.2 and 1 more transcripts).
Identifiers: ClinVar variation 128556 (VCV000128556.31), dbSNP rs41276894, ClinGen allele CA152115.

ClinVar aggregate classification (germline): Benign/Likely benign. Review status: criteria provided, multiple submitters, no conflicts (2 of 4 stars). 13 submissions from 13 submitters: Benign (7); Likely benign (1). 5 of the submissions do not count toward it. Last evaluated 2026-02-03.

Conditions:
Inborn genetic diseases. Identifiers: MedGen C0950123, MeSH D030342.
Episodic ataxia type 2 (EA2). Also called: ACETAZOLAMIDE-RESPONSIVE HEREDITARY PAROXYSMAL CEREBELLAR ATAXIA; EPISODIC ATAXIA, NYSTAGMUS-ASSOCIATED; ATAXIA, EPISODIC, WITH NYSTAGMUS; ATAXIA, FAMILIAL PAROXYSMAL; CEREBELLAR ATAXIA, PAROXYSMAL, ACETAZOLAMIDE-RESPONSIVE; CEREBELLOPATHY, HEREDITARY PAROXYSMAL. Identifiers: Orphanet 97, MedGen C1720416, MONDO:0007163, OMIM 108500.
Developmental and epileptic encephalopathy, 42 (DEE42A). Also called: Epileptic encephalopathy, early infantile, 42; DEVELOPMENTAL AND EPILEPTIC ENCEPHALOPATHY 42A; EPILEPTIC ENCEPHALOPATHY, EARLY INFANTILE, 42A. Identifiers: MedGen C4310716, MONDO:0014917, OMIM 617106.

Allele frequency attached by ClinVar (database versions not stated): 1000 Genomes Project 0.00399; 1000 Genomes Project 30x 0.00406; gnomAD exomes 0.01035; gnomAD 0.01137 and 0.01215; TOPMed 0.01171; ESP Exome Variant Server 0.01374; ExAC 0.01977.
gnomAD v4.1: 25,428 of 1,580,304 alleles (1.6%); highest among the groups gnomAD compares: Non-Finnish European, 2%; 255 homozygotes.

Submissions (13):

Labcorp Genetics (formerly Invitae), Labcorp
Classification: Benign for Developmental and epileptic encephalopathy, 42; Episodic ataxia type 2. Last evaluated: 2026-02-03. Review status: criteria provided, single submitter. Criteria: Invitae Variant Classification Sherloc (09022015). Collection method: clinical testing. Allele origin: germline.

Athena Diagnostics
Classification: Benign. Last evaluated: 2025-07-28. Review status: criteria provided, single submitter. Criteria: Athena Diagnostics Criteria. Collection method: clinical testing. Allele origin: unknown.
Comment: The frequency of this variant in the general population is higher than would generally be expected for pathogenic variants in this gene. Computational tools yielded predictions that this variant is unlikely to have an effect on normal RNA splicing. This nucleotide position exhibits low evolutionary conservation.

Blueprint Genetics
Classification: Likely benign. Last evaluated: 2024-11-28. Review status: criteria provided, single submitter. Criteria: ACMG Guidelines, 2015. Collection method: clinical testing. Allele origin: germline.

Mayo Clinic Laboratories, Mayo Clinic
Classification: Benign. Last evaluated: 2023-07-28. Review status: criteria provided, single submitter. Criteria: ACMG Guidelines, 2015. Collection method: clinical testing. Allele origin: germline. Observed: 37 variant alleles.
Comment: BS1, BS2, BP4, BP7

Ambry Genetics
Classification: Benign for Inborn genetic diseases. Last evaluated: 2016-04-11. Review status: criteria provided, single submitter. Criteria: Ambry Variant Classification Scheme 2023. Collection method: clinical testing. Allele origin: germline.

GeneDx
Classification: Benign. Last evaluated: 2016-01-13. Review status: criteria provided, single submitter. Criteria: GeneDx Variant Classification (06012015). Collection method: clinical testing. Allele origin: germline. Affected: yes.
Comment: This variant is considered likely benign or benign based on one or more of the following criteria: it is a conservative change, it occurs at a poorly conserved position in the protein, it is predicted to be benign by multiple in silico algorithms, and/or has population frequency not consistent with disease.

Breakthrough Genomics
Classification: Benign. Review status: criteria provided, single submitter. Criteria: ACMG Guidelines, 2015. Collection method: not provided. Allele origin: germline. Inheritance: Autosomal dominant inheritance. Affected: yes.

PreventionGenetics, part of Exact Sciences
Classification: Benign. Review status: criteria provided, single submitter. Criteria: ACMG Guidelines, 2015. Collection method: clinical testing. Allele origin: germline.

Clinical Genetics DNA and cytogenetics Diagnostics Lab, Erasmus MC, Erasmus Medical Center
Classification: Benign. Review status: no assertion criteria provided. Collection method: clinical testing. Allele origin: germline. Affected: yes. Study: VKGL Data-share Consensus. Not counted in ClinVar's aggregate classification.

Genetic Services Laboratory, University of Chicago
Classification: Likely benign for AllHighlyPenetrant. Review status: no assertion criteria provided. Collection method: clinical testing. Allele origin: germline. Inheritance: Autosomal dominant inheritance. Not counted in ClinVar's aggregate classification.
Comment: Likely benign based on allele frequency in 1000 Genomes Project or ESP global frequency and its presence in a patient with a rare or unrelated disease phenotype. NOT Sanger confirmed.

Genome Diagnostics Laboratory, University Medical Center Utrecht
Classification: Likely benign. Review status: no assertion criteria provided. Collection method: clinical testing. Allele origin: germline. Affected: yes. Study: VKGL Data-share Consensus. Not counted in ClinVar's aggregate classification.

Joint Genome Diagnostic Labs from Nijmegen and Maastricht, Radboudumc and MUMC+
Classification: Benign. Review status: no assertion criteria provided. Collection method: clinical testing. Allele origin: germline. Affected: yes. Study: VKGL Data-share Consensus. Not counted in ClinVar's aggregate classification.

Laboratory of Diagnostic Genome Analysis, Leiden University Medical Center (LUMC)
Classification: Benign. Review status: no assertion criteria provided. Collection method: clinical testing. Allele origin: germline. Affected: yes. Study: VKGL Data-share Consensus. Not counted in ClinVar's aggregate classification.

Literature cited by the submitters: PubMed 18644040 (cited by Athena Diagnostics); PubMed 27066515 (cited by Athena Diagnostics); PubMed 8898206 (cited by Athena Diagnostics).